The following is an entry in ClinVar:

NM_001163809.2(WDR81):c.4053G>T (p.Lys1351Asn)

Gene: WDR81 (WD repeat domain 81; plus strand). Cytogenetic location: 17p13.3.
Variant type: single nucleotide variant.
Coding change: c.4053G>T on transcript NM_001163809.2 (MANE Select); coding-DNA position 4053, G replaced by T.
Protein change: p.Lys1351Asn; replaces lysine 1351 with asparagine.
Molecular consequence: missense variant.
Genome position (GRCh38, 1-based): chr17:1,731,154, G>T. VCF-style: chr17-1731154-G-T. GRCh37 (hg19) VCF-style: chr17-1634448-G-T.
Other names: c.444G>T, p.Lys148Asn (NM_001163673.2); c.372G>T, p.Lys124Asn (NM_001163811.2); c.900G>T, p.Lys300Asn (NM_152348.4); short protein forms K124N, K1351N, K148N, K300N.
Identifiers: ClinVar variation 4886634 (VCV004886634.2).
Genomic context (GRCh38, chr17:1,731,154, plus strand): 5'-CAGCCGACTGAACAGCCGTAAGGAGGCGGGGCTGCTGGCCGCGGTGACGCTGACTCAGAA[G>T]ATCATCGTGTACCTCTCAGACACCACACTCATGGACATCCTGCCCCGGATCAGCCATGAG-3'
Protein context (NP_001157281.1, residues 1341-1361): GLLAAVTLTQ[Lys1351Asn]IIVYLSDTTL

ClinVar aggregate classification (germline): Uncertain significance (1 of 4 stars; one submission).

gnomAD v4.1: 2 of 1,613,466 alleles (0.00012%); highest among the groups gnomAD compares: Non-Finnish European, 0.00017%; no homozygotes.

Submission:

Dasa
Classification: Uncertain significance. Last evaluated: 2025-03-21. Review status: criteria provided, single submitter. Criteria: DASA Assertion Criteria. Collection method: clinical testing. Allele origin: germline.
Comment: NM_001163809.2(WDR81):c.4053G>T (p.Lys1351Asn) is a missense variant that results in the substitution of lysine with asparagine. This variant is rare in population databases. Computational prediction algorithms are consistent with a benign effect. The currently available literature and clinical evidence are not sufficient to establish a definitive association between this variant and the reported condition. Therefore, this variant is classified as a variant of uncertain significance.